The following is an entry in ClinVar:

ClinVar aggregate classification (germline): Likely benign (1 of 4 stars; one submission).

Allele frequency attached by ClinVar (database versions not stated): gnomAD exomes 0.00001; TOPMed 0.00001; gnomAD 0.00003.
gnomAD v4.1: 13 of 1,201,399 alleles (0.0011%); highest among the groups gnomAD compares: Non-Finnish European, 0.0015%; no homozygotes.

Submission:

CeGaT Center for Human Genetics Tuebingen
Classification: Likely benign. Last evaluated: 2023-03-01. Review status: criteria provided, single submitter. Criteria: CeGaT Center For Human Genetics Tuebingen Variant Classification Criteria Version 2. Collection method: clinical testing. Allele origin: germline. Affected: yes. Observed: 1 variant allele.
Comment: NHS: BP4, BS2

NM_001291867.2(NHS):c.1108+4T>C

Gene: NHS (NHS actin remodeling regulator; plus strand). Cytogenetic location: Xp22.13.
Variant type: single nucleotide variant.
Coding change: c.1108+4T>C on transcript NM_001291867.2 (MANE Select); 4 bases into the intron after coding-DNA position 1108, T replaced by C.
Molecular consequence: intron variant.
Genome position (GRCh38, 1-based): chrX:17,721,637, T>C. VCF-style: chrX-17721637-T-C. GRCh37 (hg19) VCF-style: chrX-17739757-T-C.
Other names: c.1045+4T>C (NM_198270.4); c.577+4T>C (NM_001136024.4); c.514+4T>C (NM_001291868.2).
Identifiers: ClinVar variation 2660082 (VCV002660082.24), dbSNP rs1251676962, ClinGen allele CA640856617.